The following is an entry in ClinVar:

NM_001099922.3(ALG13):c.2795C>A (p.Pro932Gln)

Gene: ALG13 (ALG13 UDP-N-acetylglucosaminyltransferase subunit; plus strand). Cytogenetic location: Xq23.
Variant type: single nucleotide variant.
Coding change: c.2795C>A on transcript NM_001099922.3 (MANE Select); coding-DNA position 2795, C replaced by A.
Protein change: p.Pro932Gln; replaces proline 932 with glutamine.
Molecular consequence: missense variant. On other transcripts: intron variant (5).
Genome position (GRCh38, 1-based): chrX:111,744,767, C>A. VCF-style: chrX-111744767-C-A. GRCh37 (hg19) VCF-style: chrX-110987995-C-A.
Other names: c.2561C>A, p.Pro854Gln (NM_001257231.2); c.2383+7888C>A (NM_001257237.2, NM_001257234.2, NM_001257230.2); c.2209+7888C>A (NM_001324293.1); c.2695+7888C>A (NM_001324292.2); short protein forms P932Q, P854Q.
Identifiers: ClinVar variation 1034450 (VCV001034450.6), dbSNP rs773392173, ClinGen allele CA10493977.

ClinVar aggregate classification (germline): Uncertain significance (1 of 4 stars; one submission).

Conditions:
Developmental and epileptic encephalopathy, 36 (DEE36). Also called: Epileptic encephalopathy, early infantile, 36; ALG13-CDG; Congenital disorder of glycosylation, type Is. Identifiers: Orphanet 324422, MedGen C4317295, MONDO:0010472, OMIM 300884.

gnomAD v4.1: 21 of 1,001,968 alleles (0.0021%); highest among the groups gnomAD compares: Non-Finnish European, 0.0025%; no homozygotes.

Submission:

Labcorp Genetics (formerly Invitae), Labcorp
Classification: Uncertain significance for Developmental and epileptic encephalopathy, 36. Last evaluated: 2021-08-27. Review status: criteria provided, single submitter. Criteria: Invitae Variant Classification Sherloc (09022015). Collection method: clinical testing. Allele origin: germline.
Comment: This sequence change replaces proline with glutamine at codon 932 of the ALG13 protein (p.Pro932Gln). The proline residue is weakly conserved and there is a moderate physicochemical difference between proline and glutamine. While this variant is present in population databases (rs773392173), the frequency information is unreliable, as metrics indicate poor data quality at this position in the ExAC database. This variant has not been reported in the literature in individuals affected with ALG13-related conditions. Algorithms developed to predict the effect of missense changes on protein structure and function are either unavailable or do not agree on the potential impact of this missense change (SIFT: "Deleterious"; PolyPhen-2: "Benign"; Align-GVGD: "Class C0"). In summary, the available evidence is currently insufficient to determine the role of this variant in disease. Therefore, it has been classified as a Variant of Uncertain Significance.